The following is an entry in ClinVar:

NM_000059.4(BRCA2):c.6072G>A (p.Gln2024=)

Gene: BRCA2 (BRCA2 DNA repair associated; plus strand). Cytogenetic location: 13q13.1.
Variant type: single nucleotide variant.
Coding change: c.6072G>A on transcript NM_000059.4 (MANE Select); coding-DNA position 6072, G replaced by A.
Protein change: p.Gln2024=; no amino-acid change (glutamine 2024 retained).
Molecular consequence: synonymous variant. On other transcripts: non-coding transcript variant (1), intron variant (2).
Genome position (GRCh38, 1-based): chr13:32,340,427, G>A. VCF-style: chr13-32340427-G-A. GRCh37 (hg19) VCF-style: chr13-32914564-G-A.
Other names: c.6072G>A, p.Gln2024= (NM_001406719.1, NM_001406720.1, NM_001432077.1); c.1910-4131G>A (NM_001406721.1); c.425-4131G>A (NM_001406722.1).
Identifiers: ClinVar variation 4851316 (VCV004851316.1).

ClinVar aggregate classification (germline): Likely benign (1 of 4 stars; one submission).

Conditions:
Hereditary breast ovarian cancer syndrome. Also called: Hereditary breast and ovarian cancer syndrome; Hereditary breast and ovarian cancer; Hereditary breast and ovarian cancer syndrome (HBOC); Breast and ovarian cancer; Hereditary breast and/or ovarian cancer syndrome; BRCA1- and BRCA2-Associated Hereditary Breast and Ovarian Cancer. Identifiers: Orphanet 145, MedGen C0677776, MeSH D061325, MONDO:0003582. Disease mechanism: loss of function.

Submission:

German Consortium for Hereditary Breast and Ovarian Cancer, University Hospital Cologne
Classification: Likely benign for Hereditary breast ovarian cancer syndrome. Last evaluated: 2026-04-14. Review status: criteria provided, single submitter. Criteria: ClinGen BRCA2 1.2.0. Collection method: curation. Allele origin: germline.
Comment: This classification follows the ClinGen ENIGMA BRCA2 v1.2.0 classification scheme; We chose these criteria: PM2 (supporting pathogenic): Absent from gnomAD v2/3/4, BP1 (strong benign): Silent substitution outside a (potentially) clinically important functional domain AND no splicing predicted (SpliceAI = 0)